The following is an entry in ClinVar:

NM_033109.5(PNPT1):c.1789C>T (p.Arg597Ter)

Gene: PNPT1 (polyribonucleotide nucleotidyltransferase 1; minus strand). Cytogenetic location: 2p16.1.
Variant type: single nucleotide variant.
Coding change: c.1789C>T on transcript NM_033109.5 (MANE Select); coding-DNA position 1789, C replaced by T.
Protein change: p.Arg597Ter; replaces arginine 597 with a stop codon.
Molecular consequence: nonsense.
Genome position (GRCh38, 1-based): chr2:55,645,382, G>A on the plus strand (C>T on the coding strand, the complement: PNPT1 is on the minus strand). VCF-style: chr2-55645382-G-A. GRCh37 (hg19) VCF-style: chr2-55872517-G-A.
Other names: short protein forms R597*.
Identifiers: ClinVar variation 2063935 (VCV002063935.1), dbSNP rs1288276942, ClinGen allele CA346924760.
Genomic context (GRCh38, chr2:55,645,382, plus strand): 5'-CCGATCACTAAAATTTTAATGTATTACCTACAACAGGTCCATTTTCTTTTCTAGATGCTC[G>A]AGGTTTTGAAATAGTTTTGTTCATGATCTGTAATATCTCCTTTTTTGCCACTAGAAGAGA-3'

ClinVar aggregate classification (germline): Pathogenic (1 of 4 stars; one submission).

Allele frequency attached by ClinVar (database versions not stated): TOPMed below 0.00001.
gnomAD v4.1: 4 of 1,612,336 alleles (0.00025%); highest among the groups gnomAD compares: East Asian, 0.0022%; no homozygotes.

Submission:

Labcorp Genetics (formerly Invitae), Labcorp
Classification: Pathogenic. Last evaluated: 2022-07-05. Review status: criteria provided, single submitter. Criteria: Invitae Variant Classification Sherloc (09022015). Collection method: clinical testing. Allele origin: germline.
Comment: This sequence change creates a premature translational stop signal (p.Arg597*) in the PNPT1 gene. It is expected to result in an absent or disrupted protein product. Loss-of-function variants in PNPT1 are known to be pathogenic (PMID: 28594066, 30244537). This variant is not present in population databases (gnomAD no frequency). This variant has not been reported in the literature in individuals affected with PNPT1-related conditions. For these reasons, this variant has been classified as Pathogenic.

Literature cited by the submitters: PubMed 28594066; PubMed 30244537.